The following is an entry in ClinVar:

ClinVar aggregate classification (germline): Uncertain significance (1 of 4 stars; one submission).

Conditions:
Neuropathy, hereditary sensory and autonomic, type 2A (HSAN2A). Also called: ACROOSTEOLYSIS, GIACCAI TYPE; ACROOSTEOLYSIS, NEUROGENIC; MORVAN DISEASE; NEUROPATHY, CONGENITAL SENSORY; NEUROPATHY, HEREDITARY SENSORY RADICULAR, AUTOSOMAL RECESSIVE; NEUROPATHY, HEREDITARY SENSORY, TYPE IIA. Identifiers: Orphanet 970, MedGen C2752089, MONDO:0024309, OMIM 201300.
Pseudohypoaldosteronism type 2C (PHA2C). Also called: Pseudohypoaldosteronism Type IIC. Identifiers: Orphanet 757, Orphanet 88940, MedGen C1840391, MONDO:0013778, OMIM 614492.

Submission:

Labcorp Genetics (formerly Invitae), Labcorp
Classification: Uncertain significance for Neuropathy, hereditary sensory and autonomic, type 2A; Pseudohypoaldosteronism type 2C. Last evaluated: 2024-06-22. Review status: criteria provided, single submitter. Criteria: Invitae Variant Classification Sherloc (09022015). Collection method: clinical testing. Allele origin: germline.
Comment: This sequence change replaces alanine, which is neutral and non-polar, with serine, which is neutral and polar, at codon 1038 of the WNK1 protein (p.Ala1038Ser). This variant is not present in population databases (gnomAD no frequency). This variant has not been reported in the literature in individuals affected with WNK1-related conditions. Advanced modeling of protein sequence and biophysical properties (such as structural, functional, and spatial information, amino acid conservation, physicochemical variation, residue mobility, and thermodynamic stability) performed at Invitae indicates that this missense variant is not expected to disrupt WNK1 protein function with a negative predictive value of 95%. In summary, the available evidence is currently insufficient to determine the role of this variant in disease. Therefore, it has been classified as a Variant of Uncertain Significance.

NM_213655.5(WNK1):c.3112G>T (p.Ala1038Ser)

Gene: WNK1 (WNK lysine deficient protein kinase 1; plus strand). Cytogenetic location: 12p13.33.
Variant type: single nucleotide variant.
Coding change: c.3112G>T on transcript NM_213655.5 (MANE Plus Clinical); coding-DNA position 3112, G replaced by T.
Protein change: p.Ala1038Ser; replaces alanine 1038 with serine.
Molecular consequence: missense variant. On other transcripts: intron variant (2).
Genome position (GRCh38, 1-based): chr12:868,583, G>T. VCF-style: chr12-868583-G-T. GRCh37 (hg19) VCF-style: chr12-977749-G-T.
Other names: c.2857G>T, p.Ala953Ser (NM_001184985.2); c.2140-2682G>T (NM_018979.4, NM_014823.3); short protein forms A1038S, A953S.
Identifiers: ClinVar variation 3753832 (VCV003753832.2).